The following is an entry in ClinVar:

NM_004364.5(CEBPA):c.60G>C (p.Gln20His)

Gene: CEBPA (CCAAT enhancer binding protein alpha; minus strand). Cytogenetic location: 19q13.11.
Variant type: single nucleotide variant.
Coding change: c.60G>C on transcript NM_004364.5 (MANE Select); coding-DNA position 60, G replaced by C.
Protein change: p.Gln20His; replaces glutamine 20 with histidine.
Molecular consequence: missense variant. On other transcripts: 5 prime UTR variant (1).
Genome position (GRCh38, 1-based): chr19:33,302,355, C>G on the plus strand (G>C on the coding strand, the complement: CEBPA is on the minus strand). VCF-style: chr19-33302355-C-G. GRCh37 (hg19) VCF-style: chr19-33793261-C-G.
Other names: c.60G>C (NM_004364.3); c.-298G>C (NM_001285829.2); c.165G>C, p.Gln55His (NM_001287424.2); c.18G>C, p.Gln6His (NM_001287435.2); short protein forms Q20H, Q55H, Q6H.
Identifiers: ClinVar variation 408753 (VCV000408753.13), dbSNP rs1060502123, ClinGen allele CA16616251.
Genomic context (GRCh38, chr19:33,302,355, plus strand): 5'-CGCGGGGCCCGCGCCCCGGGGAAAGCCGAAGGCGGCGCTGCTGGGCGCGTGCGGGGGGCT[C>G]TGCAGGTGGCTGCTCATCGGGGGCCGCGGCTCCGCCTCGTAGAAGTCGGCCGACTCCATG-3'
Protein context (NP_004355.2, residues 10-30): EPRPPMSSHL[Gln20His]SPPHAPSSAA

ClinVar aggregate classification (germline): Conflicting classifications of pathogenicity. Review status: criteria provided, conflicting classifications (1 of 4 stars). 4 submissions from 4 submitters: Uncertain significance (3); Likely benign (1). Last evaluated 2024-12-12.

Conditions:
Inborn genetic diseases. Identifiers: MedGen C0950123, MeSH D030342.
Acute myeloid leukemia (AML). Also called: Leukemia, acute myeloid, somatic; Leukemia, acute myelogenous, somatic; Acute myeloid leukemia, adult; AML adult; Acute non-lymphocytic leukemia; Acute granulocytic leukemia. Identifiers: Orphanet 519, MedGen C0023467, MeSH D015470, MONDO:0018874, OMIM 601626, HP:0004808. Disease mechanism: Constitutively activated FLT3.

Allele frequency attached by ClinVar (database versions not stated): TOPMed below 0.00001; gnomAD exomes 0.00002.

Submissions (4):

Ambry Genetics
Classification: Likely benign for Inborn genetic diseases. Last evaluated: 2024-12-12. Review status: criteria provided, single submitter. Criteria: Ambry Variant Classification Scheme 2023. Collection method: clinical testing. Allele origin: germline.

Labcorp Genetics (formerly Invitae), Labcorp
Classification: Uncertain significance for Acute myeloid leukemia. Last evaluated: 2024-07-29. Review status: criteria provided, single submitter. Criteria: Invitae Variant Classification Sherloc (09022015). Collection method: clinical testing. Allele origin: germline.
Comment: This sequence change replaces glutamine, which is neutral and polar, with histidine, which is basic and polar, at codon 20 of the CEBPA protein (p.Gln20His). This variant is not present in population databases (gnomAD no frequency). This variant has not been reported in the literature in individuals affected with CEBPA-related conditions. ClinVar contains an entry for this variant (Variation ID: 408753). Advanced modeling of protein sequence and biophysical properties (such as structural, functional, and spatial information, amino acid conservation, physicochemical variation, residue mobility, and thermodynamic stability) performed at Invitae indicates that this missense variant is not expected to disrupt CEBPA protein function with a negative predictive value of 80%. In summary, the available evidence is currently insufficient to determine the role of this variant in disease. Therefore, it has been classified as a Variant of Uncertain Significance.

Baylor Genetics
Classification: Uncertain significance for Acute myeloid leukemia. Last evaluated: 2023-10-21. Review status: criteria provided, single submitter. Criteria: ACMG Guidelines, 2015. Collection method: clinical testing. Allele origin: unknown.

GeneDx
Classification: Uncertain significance. Last evaluated: 2023-05-05. Review status: criteria provided, single submitter. Criteria: GeneDx Variant Classification Process June 2021. Collection method: clinical testing. Allele origin: germline. Affected: yes.
Comment: Not observed at significant frequency in large population cohorts (gnomAD); In silico analysis supports that this missense variant does not alter protein structure/function; Has not been previously published as pathogenic or benign to our knowledge; This variant is associated with the following publications: (PMID: 21455213, 16735515, 17671234)